The following is an entry in ClinVar:

NM_031407.7(HUWE1):c.10210G>A (p.Gly3404Ser)

Gene: HUWE1 (HECT, UBA and WWE domain containing E3 ubiquitin protein ligase 1; minus strand). Cytogenetic location: Xp11.22.
Variant type: single nucleotide variant.
Coding change: c.10210G>A on transcript NM_031407.7 (MANE Select); coding-DNA position 10210, G replaced by A.
Protein change: p.Gly3404Ser; replaces glycine 3404 with serine.
Molecular consequence: missense variant.
Genome position (GRCh38, 1-based): chrX:53,548,099, C>T on the plus strand (G>A on the coding strand, the complement: HUWE1 is on the minus strand). VCF-style: chrX-53548099-C-T. GRCh37 (hg19) VCF-style: chrX-53575060-C-T.
Other names: short protein forms G3404S.
Identifiers: ClinVar variation 3369036 (VCV003369036.1).

ClinVar aggregate classification (germline): Uncertain significance (1 of 4 stars; one submission).

Submission:

GeneDx
Classification: Uncertain significance. Last evaluated: 2024-02-11. Review status: criteria provided, single submitter. Criteria: GeneDx Variant Classification Process June 2021. Collection method: clinical testing. Allele origin: germline. Affected: yes.
Comment: Not observed at significant frequency in large population cohorts (gnomAD); In silico analysis supports that this missense variant has a deleterious effect on protein structure/function; Has not been previously published as pathogenic or benign to our knowledge